The following is an entry in ClinVar:

NM_173354.5(SIK1):c.1139C>G (p.Ser380Cys)

Gene: SIK1 (salt inducible kinase 1; minus strand). Cytogenetic location: 21q22.3.
Variant type: single nucleotide variant.
Coding change: c.1139C>G on transcript NM_173354.5 (MANE Select); coding-DNA position 1139, C replaced by G.
Protein change: p.Ser380Cys; replaces serine 380 with cysteine.
Molecular consequence: missense variant.
Genome position (GRCh38, 1-based): chr21:43,419,459, G>C on the plus strand (C>G on the coding strand, the complement: SIK1 is on the minus strand). VCF-style: chr21-43419459-G-C. GRCh37 (hg19) VCF-style: chr21-44839339-G-C.
Other names: short protein forms S380C.
Identifiers: ClinVar variation 952375 (VCV000952375.10), dbSNP rs1555891146, ClinGen allele CA410608642.

ClinVar aggregate classification (germline): Uncertain significance (1 of 4 stars; one submission).

Conditions:
Developmental and epileptic encephalopathy, 30 (DEE30). Also called: Epileptic encephalopathy, early infantile, 30. Identifiers: MedGen C4225360, MONDO:0014595, OMIM 616341.

Submission:

Labcorp Genetics (formerly Invitae), Labcorp
Classification: Uncertain significance for Developmental and epileptic encephalopathy, 30. Last evaluated: 2022-08-22. Review status: criteria provided, single submitter. Criteria: Invitae Variant Classification Sherloc (09022015). Collection method: clinical testing. Allele origin: germline.
Comment: In summary, the available evidence is currently insufficient to determine the role of this variant in disease. Therefore, it has been classified as a Variant of Uncertain Significance. Advanced modeling of protein sequence and biophysical properties (such as structural, functional, and spatial information, amino acid conservation, physicochemical variation, residue mobility, and thermodynamic stability) performed at Invitae indicates that this missense variant is not expected to disrupt SIK1 protein function. ClinVar contains an entry for this variant (Variation ID: 952375). This variant has not been reported in the literature in individuals affected with SIK1-related conditions. This variant is not present in population databases (gnomAD no frequency). This sequence change replaces serine, which is neutral and polar, with cysteine, which is neutral and slightly polar, at codon 380 of the SIK1 protein (p.Ser380Cys).